The following is an entry in ClinVar:

ClinVar aggregate classification (germline): Benign/Likely benign. Review status: criteria provided, multiple submitters, no conflicts (2 of 4 stars). 14 submissions from 14 submitters: Benign (6); Likely benign (5). 3 of the submissions do not count toward it. Last evaluated 2026-02-03.

Conditions:
Arrhythmogenic right ventricular dysplasia 10. Also called: Arrhythmogenic right ventricular dysplasia/cardiomyopathy, type 10; ARRHYTHMOGENIC RIGHT VENTRICULAR DYSPLASIA, FAMILIAL, 10; Arrhythmogenic Right Ventricular Dysplasia/Cardiomyopathy10. Identifiers: MedGen C1857777, MONDO:0012434, OMIM 610193.
Dilated cardiomyopathy 1BB (CMD1BB). Also called: CARDIOMYOPATHY, DILATED, 1BB, SUSCEPTIBILITY TO. Identifiers: Orphanet 154, MedGen C2752072, MONDO:0013030, OMIM 612877.
Cardiomyopathy (CMYO). Also called: Cardiomyopathies. Identifiers: Orphanet 167848, MedGen C0878544, MONDO:0004994, HP:0001638. Inheritance: Various modes of inheritance.

Allele frequency attached by ClinVar (database versions not stated): gnomAD exomes 0.00012 and 0.00036; ExAC 0.00037; gnomAD 0.00119 and 0.00128; ESP Exome Variant Server 0.00136; 1000 Genomes Project 0.00140; TOPMed 0.00151; 1000 Genomes Project 30x 0.00156.
gnomAD v4.1: 362 of 1,613,076 alleles (0.022%); highest among the groups gnomAD compares: African/African-American, 0.41%; 2 homozygotes.

Submissions (14):

Labcorp Genetics (formerly Invitae), Labcorp
Classification: Benign for Arrhythmogenic right ventricular dysplasia 10. Last evaluated: 2026-02-03. Review status: criteria provided, single submitter. Criteria: Invitae Variant Classification Sherloc (09022015). Collection method: clinical testing. Allele origin: germline.

Molecular Diagnostic Laboratory for Inherited Cardiovascular Disease, Montreal Heart Institute
Classification: Benign. Last evaluated: 2025-04-09. Review status: criteria provided, single submitter. Criteria: ACMG Guidelines, 2015. Collection method: clinical testing. Allele origin: germline. Affected: no.
Comment: BS1;BP6;BP7

Blueprint Genetics
Classification: Likely benign. Last evaluated: 2024-05-03. Review status: criteria provided, single submitter. Criteria: ACMG Guidelines, 2015. Collection method: clinical testing. Allele origin: germline.

ARUP Laboratories, Molecular Genetics and Genomics, ARUP Laboratories
Classification: Likely benign. Last evaluated: 2022-12-21. Review status: criteria provided, single submitter. Criteria: ARUP Molecular Germline Variant Investigation Process 2024. Collection method: clinical testing. Allele origin: germline.

Fulgent Genetics
Classification: Likely benign for Arrhythmogenic right ventricular dysplasia 10; Dilated cardiomyopathy 1BB. Last evaluated: 2021-09-29. Review status: criteria provided, single submitter. Criteria: ACMG Guidelines, 2015. Collection method: clinical testing. Allele origin: unknown.

Women's Health and Genetics/Laboratory Corporation of America, LabCorp
Classification: Benign. Last evaluated: 2021-01-07. Review status: criteria provided, single submitter. Criteria: LabCorp Variant Classification Summary - May 2015. Collection method: clinical testing. Allele origin: germline.

Color Diagnostics, LLC DBA Color Health
Classification: Benign for Cardiomyopathy. Last evaluated: 2018-11-22. Review status: criteria provided, single submitter. Criteria: ACMG Guidelines, 2015. Collection method: clinical testing. Allele origin: germline.

Illumina Laboratory Services, Illumina
Classification: Likely benign for Arrhythmogenic right ventricular dysplasia 10. Last evaluated: 2018-01-13. Review status: criteria provided, single submitter. Criteria: ICSL Variant Classification Criteria 13 December 2019. Collection method: clinical testing. Allele origin: germline.
Comment: This variant was observed in the ICSL laboratory as part of a predisposition screen in an ostensibly healthy population. It had not been previously curated by ICSL or reported in the Human Gene Mutation Database (HGMD: prior to June 1st, 2018), and was therefore a candidate for classification through an automated scoring system. Utilizing variant allele frequency, disease prevalence and penetrance estimates, and inheritance mode, an automated score was calculated to assess if this variant is too frequent to cause the disease. Based on the score and internal cut-off values, a variant classified as likely benign is not then subjected to further curation. The score for this variant resulted in a classification of likely benign for this disease.

Eurofins Ntd Llc (ga)
Classification: Likely benign. Last evaluated: 2015-08-28. Review status: criteria provided, single submitter. Criteria: EGL Classification Definitions 2015. Collection method: clinical testing. Allele origin: germline. Observed: 1 variant allele, 1 heterozygote.

GeneDx
Classification: Benign. Last evaluated: 2015-06-16. Review status: criteria provided, single submitter. Criteria: GeneDx Variant Classification (06012015). Collection method: clinical testing. Allele origin: germline. Affected: yes.
Comment: This variant is considered likely benign or benign based on one or more of the following criteria: it is a conservative change, it occurs at a poorly conserved position in the protein, it is predicted to be benign by multiple in silico algorithms, and/or has population frequency not consistent with disease.

Laboratory for Molecular Medicine, Mass General Brigham Personalized Medicine
Classification: Benign. Last evaluated: 2012-08-22. Review status: criteria provided, single submitter. Criteria: LMM Criteria. Collection method: clinical testing. Allele origin: germline. Observed: 5 variant alleles.
Comment: Leu625Leu in exon 12 of DSG2: This variant is not expected to have clinical sign ificance because it does not alter an amino acid residue, is not located within the splice consensus sequence and has been identified in 0.4% (17/4102) of Afric an American chromosomes from a broad population by the NHLBI Exome Sequencing Pr oject (dbSNP rs35743180).

Clinical Genetics DNA and cytogenetics Diagnostics Lab, Erasmus MC, Erasmus Medical Center
Classification: Likely benign. Review status: no assertion criteria provided. Collection method: clinical testing. Allele origin: germline. Affected: yes. Study: VKGL Data-share Consensus. Not counted in ClinVar's aggregate classification.

Clinical Genetics, Academic Medical Center
Classification: Benign. Review status: no assertion criteria provided. Collection method: clinical testing. Allele origin: germline. Affected: yes. Study: VKGL Data-share Consensus. Not counted in ClinVar's aggregate classification.

Diagnostic Laboratory, Department of Genetics, University Medical Center Groningen
Classification: Likely benign. Review status: no assertion criteria provided. Collection method: clinical testing. Allele origin: germline. Affected: yes. Study: VKGL Data-share Consensus. Not counted in ClinVar's aggregate classification.

NM_001943.5(DSG2):c.1875G>C (p.Leu625=)

Gene: DSG2 (desmoglein 2; plus strand). Cytogenetic location: 18q12.1.
Variant type: single nucleotide variant.
Coding change: c.1875G>C on transcript NM_001943.5 (MANE Select); coding-DNA position 1875, G replaced by C.
Protein change: p.Leu625=; no amino-acid change (leucine 625 retained).
Molecular consequence: synonymous variant.
Genome position (GRCh38, 1-based): chr18:31,538,974, G>C. VCF-style: chr18-31538974-G-C. GRCh37 (hg19) VCF-style: chr18-29118937-G-C.
Identifiers: ClinVar variation 44290 (VCV000044290.34), dbSNP rs35743180, ClinGen allele CA021597.